The following is an entry in ClinVar:

ClinVar aggregate classification (germline): Pathogenic (1 of 4 stars; one submission).

Conditions:
Hereditary diffuse gastric adenocarcinoma (HDGC). Also called: DIFFUSE GASTRIC AND LOBULAR BREAST CANCER SYNDROME. Identifiers: Orphanet 26106, MedGen C1708349, MONDO:0007648, OMIM 137215.

Submission:

European Reference Network on Genetic Tumour Risk Syndromes (ERN-GENTURIS), i3s - Instituto de Investigação e Inovação em Saúde, University of Porto
Classification: Pathogenic for Hereditary diffuse gastric adenocarcinoma. Last evaluated: 2022-08-01. Review status: criteria provided, single submitter. Criteria: Lee et al. (Hum Mutat. 2018). Collection method: clinical testing. Allele origin: germline. Inheritance: Autosomal dominant inheritance. Affected: yes. Study: ERN GENTURIS.
Comment: PVS1; PS4_Supporting; PM2 (PMID: 30311375)

Literature cited by the submitters: PubMed 36436516; PubMed 26072394; PubMed 23408351; PubMed 23300136.

NM_004360.5(CDH1):c.1135_1137+5delinsTTAGA

Gene: CDH1 (cadherin 1; plus strand). Cytogenetic location: 16q22.1.
Variant type: Indel.
Coding change: c.1135_1137+5delinsTTAGA on transcript NM_004360.5 (MANE Select); coding-DNA position 1135 through 5 bases into the intron after coding-DNA position 1137, ACGGTAAT replaced by TTAGA.
Molecular consequence: splice donor variant.
Genome position (GRCh38, 1-based): chr16:68,812,261-68,812,268, ACGGTAAT replaced by TTAGA. VCF-style: chr16-68812261-ACGGTAAT-TTAGA. GRCh37 (hg19) VCF-style: chr16-68846164-ACGGTAAT-TTAGA.
Other names: c.-481_-479+5delinsTTAGA (NM_001317185.2); c.-685_-683+5delinsTTAGA (NM_001317186.2); c.1135_1137+5delinsTTAGA (NM_001317184.2).
Identifiers: ClinVar variation 2502938 (VCV002502938.1), dbSNP rs2543924628, ClinGen allele CA2580612844.
Genomic context (GRCh38, chr16:68,812,261, plus strand): 5'-GCAACAGCTGTGATCACAGTCACTGACACCAACGATAATCCTCCGATCTTCAATCCCACC[ACGGTAAT>TTAGA]TCTATAACTCCTTAGAGGGTTTCCAAAGAAAGGTCTTTTGTTGTTCATGAACTAAGTGTC-3'